The following is an entry in ClinVar:

NM_000642.3(AGL):c.4255C>A (p.Pro1419Thr)

Gene: AGL (amylo-alpha-1,6-glucosidase and 4-alpha-glucanotransferase; plus strand). Cytogenetic location: 1p21.2.
Variant type: single nucleotide variant.
Coding change: c.4255C>A on transcript NM_000642.3 (MANE Select); coding-DNA position 4255, C replaced by A.
Protein change: p.Pro1419Thr; replaces proline 1419 with threonine.
Molecular consequence: missense variant.
Genome position (GRCh38, 1-based): chr1:99,915,482, C>A. VCF-style: chr1-99915482-C-A. GRCh37 (hg19) VCF-style: chr1-100381038-C-A.
Other names: c.4255C>A, p.Pro1419Thr (NM_000028.3, NM_000643.3, NM_000644.3 and 1 more transcripts); c.4207C>A, p.Pro1403Thr (NM_000646.3); c.4234C>A, p.Pro1412Thr (NM_001425326.1); c.4054C>A, p.Pro1352Thr (NM_001425327.1); c.4051C>A, p.Pro1351Thr (NM_001425328.1); c.3916C>A, p.Pro1306Thr (NM_001425329.1); c.3877C>A, p.Pro1293Thr (NM_001425332.1); short protein forms P1419T, P1403T, P1293T, P1306T, P1351T, P1352T, P1412T.
Identifiers: ClinVar variation 2147247 (VCV002147247.1), dbSNP rs532926173, ClinGen allele CA341341538.

ClinVar aggregate classification (germline): Uncertain significance (1 of 4 stars; one submission).

Conditions:
Glycogen storage disease type III (GSD3). Also called: Cori disease; FORBES DISEASE. Identifiers: Orphanet 366, MedGen C0017922, MONDO:0009291, OMIM 232400.

gnomAD v4.1: 2 of 1,600,910 alleles (0.00012%); highest among the groups gnomAD compares: Admixed American, 0.0033%; no homozygotes.

Submission:

Labcorp Genetics (formerly Invitae), Labcorp
Classification: Uncertain significance for Glycogen storage disease type III. Last evaluated: 2022-09-01. Review status: criteria provided, single submitter. Criteria: Invitae Variant Classification Sherloc (09022015). Collection method: clinical testing. Allele origin: germline.
Comment: This sequence change replaces proline, which is neutral and non-polar, with threonine, which is neutral and polar, at codon 1419 of the AGL protein (p.Pro1419Thr). This variant is present in population databases (no rsID available, gnomAD 0.006%). This variant has not been reported in the literature in individuals affected with AGL-related conditions. Algorithms developed to predict the effect of missense changes on protein structure and function (SIFT, PolyPhen-2, Align-GVGD) all suggest that this variant is likely to be disruptive. In summary, the available evidence is currently insufficient to determine the role of this variant in disease. Therefore, it has been classified as a Variant of Uncertain Significance.